The following is an entry in ClinVar:

NC_000017.10:g.(56774221_56780556)_(56812973_?)del

Gene: RAD51C (RAD51 paralog C; plus strand). Cytogenetic location: 17q22.
Variant type: Deletion.
Identifiers: ClinVar variation 4689686 (VCV004689686.1).

ClinVar aggregate classification (germline): Pathogenic (1 of 4 stars; one submission).

Conditions:
Hereditary breast ovarian cancer syndrome. Also called: Hereditary breast and ovarian cancer syndrome (HBOC); Breast and ovarian cancer; Hereditary breast and ovarian cancer; Hereditary breast and ovarian cancer syndrome; BRCA1- and BRCA2-Associated Hereditary Breast and Ovarian Cancer; Hereditary breast and/or ovarian cancer syndrome. Identifiers: Orphanet 145, MedGen C0677776, MeSH D061325, MONDO:0003582. Disease mechanism: loss of function.

Submission:

Women's Health and Genetics/Laboratory Corporation of America, LabCorp
Classification: Pathogenic for Hereditary breast ovarian cancer syndrome. Last evaluated: 2026-01-02. Review status: criteria provided, single submitter. Criteria: LabCorp Variant Classification Summary - May 2015. Collection method: clinical testing. Allele origin: germline.
Comment: Variant summary: The variant involves the deletion of exons 4-9 in the RAD51C gene. A presumed nomenclature of c.(571+1_572-1)_(*1390_?)del has been designated for the purposes of this classification. This deletion includes the entire coding sequence of the gene. As the exact proximal and distal breakpoints are unknown, it may extend beyond the annotated region of the gene to include other flanking genes. This variant removes a large C-terminal part of the protein, which affects a region required for protein-interaction and nuclear localization (UniProt). Loss-of-function variants in this gene are known to be pathogenic. A large duplication variant that involves the deletion of exons 4-9 in the RAD51C gene was found at a frequency of 2.5e-05 in 120780 control chromosomes in the gnomAD database (Structural Variants v4.1 dataset). In addition, deletion of exons 4-9 was also detected in 2 women older than age 70 years who have never had cancer (FLOSSIES Database). Nonetheless, the deletion of exons 4-9 has been observed in the literature in individuals with a personal and/or family history of breast and/or ovarian cancer (e.g. Desmond_2015, Rosenthal_2020, Yang_2020). In addition, smaller exon deletions affecting the C-terminal end of RAD51C (i.e. deletion of exons 5-9 and 6-9) have been classified as pathogenic by our laboratory. To our knowledge, no experimental evidence demonstrating an impact on protein function has been reported. The following publications have been ascertained in the context of this evaluation (PMID: 26270727, 32090079, 32107557). ClinVar contains an entry for this variant (Variation ID: 831411). Based on the evidence outlined above, the variant was classified as pathogenic.

Literature cited by the submitters: PubMed 26270727; PubMed 32090079; PubMed 32107557.